The following is an entry in ClinVar:

NM_005857.5(ZMPSTE24):c.1204-1G>A

Gene: ZMPSTE24 (zinc metallopeptidase STE24; plus strand). Cytogenetic location: 1p34.2.
Variant type: single nucleotide variant.
Coding change: c.1204-1G>A on transcript NM_005857.5 (MANE Select); the canonical splice acceptor site of the intron before coding-DNA position 1204, G replaced by A.
Molecular consequence: splice acceptor variant.
Genome position (GRCh38, 1-based): chr1:40,292,444, G>A. VCF-style: chr1-40292444-G-A. GRCh37 (hg19) VCF-style: chr1-40758116-G-A.
Identifiers: ClinVar variation 140513 (VCV000140513.18), dbSNP rs61751009, ClinGen allele CA232726.

ClinVar aggregate classification (germline): Pathogenic. Review status: criteria provided, multiple submitters, no conflicts (2 of 4 stars). 4 submissions from 4 submitters: Pathogenic (3). 1 of the submissions does not count toward it. Last evaluated 2025-05-01.

Allele frequency attached by ClinVar (database versions not stated): gnomAD exomes below 0.00001 and 0.00002; TOPMed below 0.00001; gnomAD 0.00001.
gnomAD v4.1: 31 of 1,613,312 alleles (0.0019%); highest among the groups gnomAD compares: Non-Finnish European, 0.0025%; no homozygotes.

Submissions (4):

CeGaT Center for Human Genetics Tuebingen
Classification: Pathogenic. Last evaluated: 2025-05-01. Review status: criteria provided, single submitter. Criteria: CeGaT Center For Human Genetics Tuebingen Variant Classification Criteria Version 2. Collection method: clinical testing. Allele origin: germline. Affected: yes. Observed: 2 variant alleles.
Comment: ZMPSTE24: PM3:Strong, PVS1:Strong, PM2

Labcorp Genetics (formerly Invitae), Labcorp
Classification: Pathogenic. Last evaluated: 2025-03-17. Review status: criteria provided, single submitter. Criteria: Invitae Variant Classification Sherloc (09022015). Collection method: clinical testing. Allele origin: germline.
Comment: This sequence change affects an acceptor splice site in intron 9 of the ZMPSTE24 gene. While this variant is not anticipated to result in nonsense mediated decay, it likely alters RNA splicing and results in a disrupted protein product. This variant is present in population databases (rs61751009, gnomAD 0.0009%). Disruption of this splice site has been observed in individual(s) with Mandibulo-acral dysplasia (PMID: 24169522, 36876346). In at least one individual the data is consistent with being in trans (on the opposite chromosome) from a pathogenic variant. It has also been observed to segregate with disease in related individuals. ClinVar contains an entry for this variant (Variation ID: 140513). Variants that disrupt the consensus splice site are a relatively common cause of aberrant splicing (PMID: 17576681, 9536098). Algorithms developed to predict the effect of sequence changes on RNA splicing suggest that this variant may disrupt the consensus splice site. For these reasons, this variant has been classified as Pathogenic.

GeneDx
Classification: Pathogenic. Last evaluated: 2015-05-26. Review status: criteria provided, single submitter. Criteria: GeneDx Variant Classification (06012015). Collection method: clinical testing. Allele origin: germline. Affected: yes.
Comment: The c.1204-1 G>A variant in the ZMPSTE24 gene has been reported previously in two compoundheterozygous siblings of Turkish ancestry diagnosed with mandibulo-acral dysplasia (Navarro et al., 2014). This splice site variant destroys the canonical splice acceptor site in intron 9. It is predicted to causeabnormal gene splicing, either leading to an abnormal message that is subject to nonsense-mediated mRNA decay, or to an abnormal protein product if the message is used for protein translation. The c.1204-1G>A variant was not observed in approximately 6,500 individuals of European and African American ancestryin the NHLBI Exome Sequencing Project, indicating it is not a common benign variant in these populations.We interpret c.1204-1 G>A as a pathogenic variant.

ZMPSTE24 homepage - Leiden Muscular Dystrophy pages
No classification provided. Review status: no classification provided. Collection method: not provided. Allele origin: germline. Not counted in ClinVar's aggregate classification.
Comment: has functional consequence

Literature cited by the submitters: PubMed 24169522 (cited by Labcorp Genetics (formerly Invitae), Labcorp); PubMed 36876346 (cited by Labcorp Genetics (formerly Invitae), Labcorp); PubMed 17576681 (cited by Labcorp Genetics (formerly Invitae), Labcorp); PubMed 9536098 (cited by Labcorp Genetics (formerly Invitae), Labcorp).